The following is an entry in ClinVar:

NM_000540.3(RYR1):c.9173-20G>A

Gene: RYR1 (ryanodine receptor 1; plus strand). Cytogenetic location: 19q13.2.
Variant type: single nucleotide variant.
Coding change: c.9173-20G>A on transcript NM_000540.3 (MANE Select); 20 bases into the intron before coding-DNA position 9173, G replaced by A.
Molecular consequence: intron variant.
Genome position (GRCh38, 1-based): chr19:38,512,052, G>A. VCF-style: chr19-38512052-G-A. GRCh37 (hg19) VCF-style: chr19-39002692-G-A.
Other names: c.9173-20G>A (NM_001042723.2).
Identifiers: ClinVar variation 2905865 (VCV002905865.3), dbSNP rs376182254, ClinGen allele CA073317.

ClinVar aggregate classification (germline): Uncertain significance (1 of 4 stars; one submission).

Conditions:
RYR1-related disorder. Also called: RYR1-related condition; RYR1-related disorders. Identifiers: MedGen CN239331.

Allele frequency attached by ClinVar (database versions not stated): gnomAD 0.00001; TOPMed 0.00001; ExAC 0.00002; gnomAD exomes 0.00003; ESP Exome Variant Server 0.00008.
gnomAD v4.1: 40 of 1,612,812 alleles (0.0025%); highest among the groups gnomAD compares: African/African-American, 0.0053%; no homozygotes.

Submission:

Labcorp Genetics (formerly Invitae), Labcorp
Classification: Uncertain significance for RYR1-related disorder. Last evaluated: 2024-08-05. Review status: criteria provided, single submitter. Criteria: Invitae Variant Classification Sherloc (09022015). Collection method: clinical testing. Allele origin: germline.
Comment: This sequence change falls in intron 61 of the RYR1 gene. It does not directly change the encoded amino acid sequence of the RYR1 protein. This variant is present in population databases (rs376182254, gnomAD 0.01%). This variant has not been reported in the literature in individuals affected with RYR1-related conditions. Algorithms developed to predict the effect of sequence changes on RNA splicing suggest that this variant may create or strengthen a splice site. In summary, the available evidence is currently insufficient to determine the role of this variant in disease. Therefore, it has been classified as a Variant of Uncertain Significance.